The following is an entry in ClinVar:

ClinVar aggregate classification (germline): Likely benign (1 of 4 stars; one submission).

Conditions:
MELAS syndrome (MELAS). Also called: Juvenile myopathy, encephalopathy, lactic acidosis, stroke. Identifiers: Orphanet 550, MedGen C0162671, MONDO:0010789, OMIM 540000.

Submission:

Wong Mito Lab, Molecular and Human Genetics, Baylor College of Medicine
Classification: Likely benign for MELAS syndrome. Last evaluated: 2019-07-12. Review status: criteria provided, single submitter. Criteria: Modified ACMG Guidelines (Unpublished). Collection method: clinical testing. Allele origin: germline.
Comment: The NC_012920.1:m.16011A>G variant in MT-TP gene is interpreted to be a Likely Benign variant based on the modified ACMG guidelines (unpublished). This variant meets the following evidence codes reported in the guidelines: BS4, BP4

Literature cited by the submitters: PubMed 31965079.

NC_012920.1(MT-TP):m.16011A>G

Gene: MT-TP (mitochondrially encoded tRNA proline; minus strand).
Variant type: single nucleotide variant.
Genome position: chrM-16011-A-G.
Identifiers: ClinVar variation 690273 (VCV000690273.1), dbSNP rs1603225635, ClinGen allele CA913175448.